The following is an entry in ClinVar:

ClinVar aggregate classification (germline): Likely benign (1 of 4 stars; one submission).

Conditions:
Leigh syndrome (NULS). Also called: Leigh's necrotizing encephalopathy; Leigh's disease; Leigh Syndrome (mtDNA deletion); Leigh Disease; Subacute necrotizing encephalopathy; Necrotizing encephalopathy infantile subacute of Leigh. Identifiers: Orphanet 506, MedGen C2931891, MONDO:0009723, OMIM 256000.

Submission:

Wong Mito Lab, Molecular and Human Genetics, Baylor College of Medicine
Classification: Likely benign for Leigh syndrome. Last evaluated: 2019-10-17. Review status: criteria provided, single submitter. Criteria: Modified ACMG Guidelines (Unpublished). Collection method: clinical testing. Allele origin: germline.
Comment: The NC_012920.1:m.8908T>C (YP_003024031.1:p.Phe128Leu) variant in MTATP6 gene is interpretated to be a Likely Benign variant based on the modified ACMG guidelines (unpublished). This variant meets the following evidence codes: BS4, BP4

NC_012920.1(MT-ATP6):m.8908T>C

Gene: MT-ATP6 (mitochondrially encoded ATP synthase 6; plus strand).
Variant type: single nucleotide variant.
Genome position: chrM-8908-T-C.
Identifiers: ClinVar variation 693020 (VCV000693020.1), dbSNP rs1603221898, ClinGen allele CA414798863.